The following is an entry in ClinVar:

NM_001165963.4(SCN1A):c.3160C>G (p.Leu1054Val)

Genes: SCN1A (sodium voltage-gated channel alpha subunit 1; minus strand), LOC102724058 (uncharacterized LOC102724058; plus strand). Cytogenetic location: 2q24.3.
Variant type: single nucleotide variant.
Coding change: c.3160C>G on transcript NM_001165963.4 (MANE Select); coding-DNA position 3160, C replaced by G.
Protein change: p.Leu1054Val; replaces leucine 1054 with valine.
Molecular consequence: missense variant. On other transcripts: non-coding transcript variant (2).
Genome position (GRCh38, 1-based): chr2:166,036,317, G>C on the plus strand (C>G on the coding strand, the complement: SCN1A is on the minus strand). VCF-style: chr2-166036317-G-C. GRCh37 (hg19) VCF-style: chr2-166892827-G-C.
Other names: c.3076C>G, p.Leu1026Val (NM_001165964.3, NM_001353957.2, NM_001353958.2); c.3160C>G, p.Leu1054Val (NM_001202435.3, NM_001353948.2); c.3127C>G, p.Leu1043Val (NM_001353949.2, NM_001353950.2, NM_001353951.2 and 2 more transcripts); c.3124C>G, p.Leu1042Val (NM_001353954.2, NM_001353955.2); c.3073C>G, p.Leu1025Val (NM_001353960.2); c.718C>G, p.Leu240Val (NM_001353961.2); short protein forms L1025V, L1026V, L1042V, L1043V, L1054V, L240V.
Identifiers: ClinVar variation 3774196 (VCV003774196.1).

ClinVar aggregate classification (germline): Uncertain significance (1 of 4 stars; one submission).

Submission:

GeneDx
Classification: Uncertain significance. Last evaluated: 2024-09-22. Review status: criteria provided, single submitter. Criteria: GeneDx Variant Classification Process June 2021. Collection method: clinical testing. Allele origin: germline. Affected: yes.
Comment: Not observed at significant frequency in large population cohorts (gnomAD); In silico analysis indicates that this missense variant does not alter protein structure/function; Has not been previously published as pathogenic or benign to our knowledge; This substitution is predicted to be within the cytoplasmic loop between the second and third homologous domains